The following is an entry in ClinVar:

ClinVar aggregate classification (germline): Uncertain significance (1 of 4 stars; one submission).

Submission:

Women's Health and Genetics/Laboratory Corporation of America, LabCorp
Classification: Uncertain significance. Last evaluated: 2024-04-29. Review status: criteria provided, single submitter. Criteria: LabCorp Variant Classification Summary - May 2015. Collection method: clinical testing. Allele origin: germline.
Comment: Variant summary: TTN c.12952C>A (p.Gln4318Lys) results in a conservative amino acid change located in the I-band of the encoded protein sequence. Three of three in-silico tools predict a benign effect of the variant on protein function. The variant was absent in 247948 control chromosomes. The available data on variant occurrences in the general population are insufficient to allow any conclusion about variant significance. To our knowledge, no occurrence of c.12952C>A in individuals affected with Limb-Girdle Muscular Dystrophy, Type 2J and no experimental evidence demonstrating its impact on protein function have been reported. No submitters have cited clinical-significance assessments for this variant to ClinVar. Based on the evidence outlined above, the variant was classified as uncertain significance.

NM_001267550.2(TTN):c.16684C>A (p.Gln5562Lys)

Gene: TTN (titin; minus strand). Cytogenetic location: 2q31.2.
Variant type: single nucleotide variant.
Coding change: c.16684C>A on transcript NM_001267550.2 (MANE Select); coding-DNA position 16684, C replaced by A.
Protein change: p.Gln5562Lys; replaces glutamine 5562 with lysine.
Molecular consequence: missense variant. On other transcripts: intron variant (3).
Genome position (GRCh38, 1-based): chr2:178,732,285, G>T on the plus strand (C>A on the coding strand, the complement: TTN is on the minus strand). VCF-style: chr2-178732285-G-T. GRCh37 (hg19) VCF-style: chr2-179597012-G-T.
Other names: c.15733C>A, p.Gln5245Lys (NM_001256850.1); c.12952C>A, p.Gln4318Lys (NM_133378.4); c.13282+5797C>A (NM_003319.4); c.13858+5797C>A (NM_133437.4); c.13657+5797C>A (NM_133432.3); short protein forms Q4318K, Q5245K, Q5562K.
Identifiers: ClinVar variation 3251405 (VCV003251405.1), dbSNP rs2530117411.